The following is an entry in ClinVar:

NM_014946.4(SPAST):c.142C>T (p.Arg48Trp)

Gene: SPAST (spastin; plus strand). Cytogenetic location: 2p22.3.
Variant type: single nucleotide variant.
Coding change: c.142C>T on transcript NM_014946.4 (MANE Select); coding-DNA position 142, C replaced by T.
Protein change: p.Arg48Trp; replaces arginine 48 with tryptophan.
Molecular consequence: missense variant.
Genome position (GRCh38, 1-based): chr2:32,063,973, C>T. VCF-style: chr2-32063973-C-T. GRCh37 (hg19) VCF-style: chr2-32289042-C-T.
Other names: c.142C>T, p.Arg48Trp (NM_001363823.2, NM_001363875.2, NM_001377959.1 and 1 more transcripts); short protein forms R48W.
Identifiers: ClinVar variation 2154832 (VCV002154832.5), dbSNP rs1443355784, ClinGen allele CA346601449.

ClinVar aggregate classification (germline): Uncertain significance. Review status: criteria provided, multiple submitters, no conflicts (2 of 4 stars). 2 submissions from 2 submitters: Uncertain significance (2). Last evaluated 2025-05-26.

Conditions:
Hereditary spastic paraplegia 4. Also called: Spastic paraplegia 4, autosomal dominant; Familial spastic paraplegia autosomal dominant 2; Spastic Paraplegia 4. Identifiers: Orphanet 100985, MedGen C1866855, MONDO:0008438, OMIM 182601.
Inborn genetic diseases. Identifiers: MedGen C0950123, MeSH D030342.

Allele frequency attached by ClinVar (database versions not stated): TOPMed below 0.00001.
gnomAD v4.1: 4 of 1,613,098 alleles (0.00025%); highest among the groups gnomAD compares: Admixed American, 0.005%; no homozygotes.

Submissions (2):

Ambry Genetics
Classification: Uncertain significance for Inborn genetic diseases. Last evaluated: 2025-05-26. Review status: criteria provided, single submitter. Criteria: Ambry Variant Classification Scheme 2023. Collection method: clinical testing. Allele origin: germline.

Labcorp Genetics (formerly Invitae), Labcorp
Classification: Uncertain significance for Hereditary spastic paraplegia 4. Last evaluated: 2023-11-28. Review status: criteria provided, single submitter. Criteria: Invitae Variant Classification Sherloc (09022015). Collection method: clinical testing. Allele origin: germline.
Comment: This sequence change replaces arginine, which is basic and polar, with tryptophan, which is neutral and slightly polar, at codon 48 of the SPAST protein (p.Arg48Trp). This variant is present in population databases (no rsID available, gnomAD 0.003%). This variant has not been reported in the literature in individuals affected with SPAST-related conditions. ClinVar contains an entry for this variant (Variation ID: 2154832). Advanced modeling of protein sequence and biophysical properties (such as structural, functional, and spatial information, amino acid conservation, physicochemical variation, residue mobility, and thermodynamic stability) performed at Invitae indicates that this missense variant is expected to disrupt SPAST protein function with a positive predictive value of 95%. In summary, the available evidence is currently insufficient to determine the role of this variant in disease. Therefore, it has been classified as a Variant of Uncertain Significance.